The following is an entry in ClinVar:

ClinVar aggregate classification (germline): Uncertain significance (1 of 4 stars; one submission).

Conditions:
Hyperkalemic periodic paralysis. Also called: Familial hyperkalemic periodic paralysis; Gamstorp disease. Identifiers: Orphanet 682, MedGen C0238357, MONDO:0008224, OMIM 170500, HP:0007215.

Allele frequency attached by ClinVar (database versions not stated): gnomAD exomes below 0.00001; TOPMed 0.00001; ESP Exome Variant Server 0.00008.
gnomAD v4.1: 4 of 1,610,200 alleles (0.00025%); highest among the groups gnomAD compares: Non-Finnish European, 0.00017%; no homozygotes.

Submission:

Labcorp Genetics (formerly Invitae), Labcorp
Classification: Uncertain significance for Hyperkalemic periodic paralysis. Last evaluated: 2021-06-09. Review status: criteria provided, single submitter. Criteria: Invitae Variant Classification Sherloc (09022015). Collection method: clinical testing. Allele origin: germline.
Comment: This sequence change replaces arginine with glutamine at codon 1454 of the SCN4A protein (p.Arg1454Gln). The arginine residue is highly conserved and there is a small physicochemical difference between arginine and glutamine. In summary, the available evidence is currently insufficient to determine the role of this variant in disease. Therefore, it has been classified as a Variant of Uncertain Significance. Algorithms developed to predict the effect of sequence changes on RNA splicing suggest that this variant may create or strengthen a splice site, but this prediction has not been confirmed by published transcriptional studies. Algorithms developed to predict the effect of missense changes on protein structure and function (SIFT, PolyPhen-2, Align-GVGD) all suggest that this variant is likely to be disruptive, but these predictions have not been confirmed by published functional studies and their clinical significance is uncertain. This variant has been observed in individual(s) with clinical features of autosomal recessive congenital myopathy (Invitae). The frequency data for this variant in the population databases is considered unreliable, as metrics indicate poor data quality at this position in the ExAC database.

NM_000334.4(SCN4A):c.4361G>A (p.Arg1454Gln)

Genes: GH-LCR (growth hormone locus control region; plus strand), SCN4A (sodium voltage-gated channel alpha subunit 4; minus strand). Cytogenetic location: 17q23.3.
Variant type: single nucleotide variant.
Coding change: c.4361G>A on transcript NM_000334.4 (MANE Select); coding-DNA position 4361, G replaced by A.
Protein change: p.Arg1454Gln; replaces arginine 1454 with glutamine.
Molecular consequence: missense variant.
Genome position (GRCh38, 1-based): chr17:63,941,921, C>T on the plus strand (G>A on the coding strand, the complement: SCN4A is on the minus strand). VCF-style: chr17-63941921-C-T. GRCh37 (hg19) VCF-style: chr17-62019281-C-T.
Other names: short protein forms R1454Q.
Identifiers: ClinVar variation 1482288 (VCV001482288.8), dbSNP rs374074988, ClinGen allele CA8708982.